The following is an entry in ClinVar:

ClinVar aggregate classification (germline): Conflicting classifications of pathogenicity. Review status: criteria provided, conflicting classifications (1 of 4 stars). 5 submissions from 5 submitters: Uncertain significance (2); Likely benign (3). Last evaluated 2025-10-01.

Conditions:
Inborn genetic diseases. Identifiers: MedGen C0950123, MeSH D030342.
Agammaglobulinemia 8b, autosomal recessive. Also called: AGAMMAGLOBULINEMIA, AUTOSOMAL RECESSIVE, DUE TO TCF3 DEFECT. Identifiers: MedGen C5676958, MONDO:0859234, OMIM 619824.
Agammaglobulinemia 8, autosomal dominant (AGM8A). Also called: AGAMMAGLOBULINEMIA, AUTOSOMAL DOMINANT, DUE TO TCF3 DEFECT; AGAMMAGLOBULINEMIA 8A, AUTOSOMAL DOMINANT. Identifiers: MedGen C4310786, MONDO:0014840, OMIM 616941.

Allele frequency attached by ClinVar (database versions not stated): gnomAD 0.00013; TOPMed 0.00019; 1000 Genomes Project 30x 0.00047; 1000 Genomes Project 0.00060.
gnomAD v4.1: 301 of 1,613,622 alleles (0.019%); highest among the groups gnomAD compares: East Asian, 0.54%; 1 homozygote.

Submissions (5):

Labcorp Genetics (formerly Invitae), Labcorp
Classification: Likely benign. Last evaluated: 2025-10-01. Review status: criteria provided, single submitter. Criteria: Invitae Variant Classification Sherloc (09022015). Collection method: clinical testing. Allele origin: germline.

Blueprint Genetics
Classification: Likely benign. Last evaluated: 2024-11-18. Review status: criteria provided, single submitter. Criteria: ACMG Guidelines, 2015. Collection method: clinical testing. Allele origin: germline.

GeneDx
Classification: Uncertain significance. Last evaluated: 2024-06-03. Review status: criteria provided, single submitter. Criteria: GeneDx Variant Classification Process June 2021. Collection method: clinical testing. Allele origin: germline. Affected: yes.
Comment: In silico analysis supports that this missense variant has a deleterious effect on protein structure/function; Has not been previously published as pathogenic or benign to our knowledge

Fulgent Genetics
Classification: Likely benign for Agammaglobulinemia 8, autosomal dominant; Agammaglobulinemia 8b, autosomal recessive. Last evaluated: 2021-10-19. Review status: criteria provided, single submitter. Criteria: ACMG Guidelines, 2015. Collection method: clinical testing. Allele origin: unknown.

Ambry Genetics
Classification: Uncertain significance for Inborn genetic diseases. Last evaluated: 2021-09-16. Review status: criteria provided, single submitter. Criteria: Ambry Variant Classification Scheme 2023. Collection method: clinical testing. Allele origin: germline.

NM_003200.5(TCF3):c.1948C>A (p.Pro650Thr)

Gene: TCF3 (transcription factor 3; minus strand). Cytogenetic location: 19p13.3.
Variant type: single nucleotide variant.
Coding change: c.1948C>A on transcript NM_003200.5 (MANE Select); coding-DNA position 1948, C replaced by A.
Protein change: p.Pro650Thr; replaces proline 650 with threonine.
Molecular consequence: missense variant.
Genome position (GRCh38, 1-based): chr19:1,611,724, G>T on the plus strand (C>A on the coding strand, the complement: TCF3 is on the minus strand). VCF-style: chr19-1611724-G-T. GRCh37 (hg19) VCF-style: chr19-1611723-G-T.
Other names: c.1939C>A, p.Pro647Thr (NM_001136139.4, NM_001351779.2); c.1945C>A, p.Pro649Thr (NM_001351778.2); short protein forms P649T, P647T, P650T.
Identifiers: ClinVar variation 709097 (VCV000709097.13), dbSNP rs7252811, ClinGen allele CA9049498.